The following is an entry in ClinVar:

NM_015340.4(LARS2):c.2044+14del

Gene: LARS2 (leucyl-tRNA synthetase 2, mitochondrial; plus strand). Cytogenetic location: 3p21.31.
Variant type: Deletion.
Coding change: c.2044+14del on transcript NM_015340.4 (MANE Select); 14 bases into the intron after coding-DNA position 2044, one base deleted (C; older notation c.2044+14delC).
Molecular consequence: intron variant.
Genome position (GRCh38, 1-based): chr3:45,516,290, C deleted; the last of 2 consecutive C bases (chr3:45,516,289-45,516,290); deleting either gives the same sequence. VCF-style (leftmost placement, unchanged base first): chr3-45516288-TC-T. GRCh37 (hg19) VCF-style: chr3-45557780-TC-T.
Other names: c.2044+14del (NM_001368263.1); c.2044+14delC (NM_015340.3).
Identifiers: ClinVar variation 508837 (VCV000508837.1), dbSNP rs1553637400, ClinGen allele CA658796296.

ClinVar aggregate classification (germline): Likely benign (1 of 4 stars; one submission).

Submission:

GeneDx
Classification: Likely benign. Last evaluated: 2017-05-04. Review status: criteria provided, single submitter. Criteria: GeneDx Variant Classification (06012015). Collection method: clinical testing. Allele origin: germline. Affected: yes.
Comment: This variant is considered likely benign or benign based on one or more of the following criteria: it is a conservative change, it occurs at a poorly conserved position in the protein, it is predicted to be benign by multiple in silico algorithms, and/or has population frequency not consistent with disease.